The following is an entry in ClinVar:

NM_004612.4(TGFBR1):c.-50_-49del

Genes: TGFBR1 (transforming growth factor beta receptor 1; plus strand), LOC130002223 (ATAC-STARR-seq lymphoblastoid silent region 20124; plus strand). Cytogenetic location: 9q22.33.
Variant type: Deletion.
Coding change: c.-50_-49del on transcript NM_004612.4 (MANE Select); 50 bases upstream of the start codon through 49 bases upstream of the start codon, 2 bases deleted (GC; older notation c.-50_-49delGC).
Molecular consequence: 5 prime UTR variant.
Genome position (GRCh38, 1-based): chr9:99,105,156-99,105,157, GC deleted. VCF-style (leftmost placement, unchanged base first): chr9-99105155-GGC-G. GRCh37 (hg19) VCF-style: chr9-101867437-GGC-G.
Other names: c.-50_-49del (NM_001130916.3, NM_001306210.2).
Identifiers: ClinVar variation 213859 (VCV000213859.1), dbSNP rs863223801, ClinGen allele CA323828.

ClinVar aggregate classification (germline): Benign (1 of 4 stars; one submission).

Allele frequency attached by ClinVar (database versions not stated): gnomAD exomes below 0.00001; TOPMed below 0.00001.

Submission:

GeneDx
Classification: Benign. Last evaluated: 2015-06-30. Review status: criteria provided, single submitter. Criteria: GeneDx Variant Classification (06012015). Collection method: clinical testing. Allele origin: germline. Affected: yes.
Comment: This variant was found in TAADV2-PANCARD